The following is an entry in ClinVar:

ClinVar aggregate classification (germline): Conflicting classifications of pathogenicity. Review status: criteria provided, conflicting classifications (1 of 4 stars). 12 submissions from 8 submitters: Uncertain significance (1); Benign (4); Likely benign (5). 2 of the submissions do not count toward it. Last evaluated 2026-01-30.

Conditions:
Multiple endocrine neoplasia. Identifiers: Orphanet 276161, MedGen C0027662, MONDO:0017169.
Hereditary cancer-predisposing syndrome. Also called: Neoplastic Syndromes, Hereditary; Hereditary Cancer Syndrome; Tumor predisposition; Hereditary neoplastic syndrome. Identifiers: Orphanet 140162, MedGen C0027672, MeSH D009386, MONDO:0015356.
Multiple endocrine neoplasia type 2B. Also called: WAGENMANN-FROBOESE SYNDROME; MULTIPLE ENDOCRINE NEOPLASIA, TYPE III; Multiple endocrine neoplasia, type 3; MULTIPLE ENDOCRINE NEOPLASIA, TYPE IIB; MEN 2B; MEN IIB. Identifiers: Orphanet 247709, Orphanet 653, MedGen C0025269, MeSH D018814, MONDO:0008082, OMIM 162300.
Multiple endocrine neoplasia, type 2 (MEN2). Identifiers: Orphanet 653, MedGen C4048306, MONDO:0019003. Disease mechanism: gain of function.
Hirschsprung disease, susceptibility to, 1 (HSCR1). Also called: RET-Related Hirschsprung Disease. Identifiers: Orphanet 388, MedGen C3888239, MONDO:0007723, OMIM 142623.
Multiple endocrine neoplasia type 2A. Also called: MULTIPLE ENDOCRINE NEOPLASIA, TYPE IIA; PTC SYNDROME; SIPPLE SYNDROME; MEN 2A; MEN-2A syndrome; Pheochromocytoma and amyloid producing medullary thyroid carcinoma. Identifiers: Orphanet 247698, Orphanet 653, MedGen C0025268, MeSH D018813, MONDO:0008234, OMIM 171400.
Pheochromocytoma. Also called: MAX-Related Hereditary Paraganglioma-Pheochromocytoma Syndrome. Identifiers: Orphanet 29072, MedGen C0031511, MONDO:0008233, OMIM 171300, HP:0002666.
Renal hypodysplasia/aplasia 1 (RHDA1). Also called: RENAL APLASIA; HEREDITARY RENAL APLASIA. Identifiers: Orphanet 411709, MedGen C1619700, MONDO:0024519, OMIM 191830.

Allele frequency attached by ClinVar (database versions not stated): gnomAD 0.00049 and 0.00052; gnomAD exomes 0.00005 and 0.00012; 1000 Genomes Project 0.00020; ESP Exome Variant Server 0.00046; 1000 Genomes Project 30x 0.00016; ExAC 0.00016; TOPMed 0.00061.
gnomAD v4.1: 143 of 1,613,952 alleles (0.0089%); highest among the groups gnomAD compares: African/African-American, 0.13%; no homozygotes.

Submissions (12):

Labcorp Genetics (formerly Invitae), Labcorp
Classification: Benign for Multiple endocrine neoplasia, type 2. Last evaluated: 2026-01-30. Review status: criteria provided, single submitter. Criteria: Invitae Variant Classification Sherloc (09022015). Collection method: clinical testing. Allele origin: germline.

KCCC/NGS Laboratory, Kuwait Cancer Control Center
Classification: Benign for Pheochromocytoma. Last evaluated: 2025-02-01. Review status: criteria provided, single submitter. Criteria: ACMG Guidelines, 2015. Collection method: clinical testing. Allele origin: germline. Affected: no.

Color Diagnostics, LLC DBA Color Health
Classification: Likely benign for Multiple endocrine neoplasia, type 2. Last evaluated: 2022-11-06. Review status: criteria provided, single submitter. Criteria: ACMG Guidelines, 2015. Collection method: clinical testing. Allele origin: germline.

Sema4
Classification: Likely benign for Hereditary cancer-predisposing syndrome. Last evaluated: 2021-06-24. Review status: criteria provided, single submitter. Criteria: Sema4 Curation Guidelines. Collection method: curation. Allele origin: germline.

Illumina Laboratory Services, Illumina
Classification: Benign for Pheochromocytoma. Last evaluated: 2018-01-13. Review status: criteria provided, single submitter. Criteria: ICSL Variant Classification Criteria 13 December 2019. Collection method: clinical testing. Allele origin: germline.
Comment: This variant was observed in the ICSL laboratory as part of a predisposition screen in an ostensibly healthy population. It had not been previously curated by ICSL or reported in the Human Gene Mutation Database (HGMD: prior to June 1st, 2018), and was therefore a candidate for classification through an automated scoring system. Utilizing variant allele frequency, disease prevalence and penetrance estimates, and inheritance mode, an automated score was calculated to assess if this variant is too frequent to cause the disease. Based on the score and internal cut-off values, a variant classified as benign is not then subjected to further curation. The score for this variant resulted in a classification of benign for this disease.

Illumina Laboratory Services, Illumina
Classification: Likely benign for Hirschsprung disease, susceptibility to, 1. Last evaluated: 2018-01-13. Review status: criteria provided, single submitter. Criteria: ICSL Variant Classification Criteria 13 December 2019. Collection method: clinical testing. Allele origin: germline.
Comment: This variant was observed in the ICSL laboratory as part of a predisposition screen in an ostensibly healthy population. It had not been previously curated by ICSL or reported in the Human Gene Mutation Database (HGMD: prior to June 1st, 2018), and was therefore a candidate for classification through an automated scoring system. Utilizing variant allele frequency, disease prevalence and penetrance estimates, and inheritance mode, an automated score was calculated to assess if this variant is too frequent to cause the disease. Based on the score and internal cut-off values, a variant classified as likely benign is not then subjected to further curation. The score for this variant resulted in a classification of likely benign for this disease.

Illumina Laboratory Services, Illumina
Classification: Benign for Multiple endocrine neoplasia. Last evaluated: 2018-01-13. Review status: criteria provided, single submitter. Criteria: ICSL Variant Classification Criteria 13 December 2019. Collection method: clinical testing. Allele origin: germline.
Comment: the same text as in the submission from Illumina Laboratory Services, Illumina above.

Illumina Laboratory Services, Illumina
Classification: Uncertain significance for Renal hypodysplasia/aplasia 1. Last evaluated: 2018-01-13. Review status: criteria provided, single submitter. Criteria: ICSL Variant Classification Criteria 13 December 2019. Collection method: clinical testing. Allele origin: germline.

GeneDx
Classification: Likely benign. Last evaluated: 2017-10-02. Review status: criteria provided, single submitter. Criteria: GeneDx Variant Classification (06012015). Collection method: clinical testing. Allele origin: germline. Affected: yes.
Comment: This variant is considered likely benign or benign based on one or more of the following criteria: it is a conservative change, it occurs at a poorly conserved position in the protein, it is predicted to be benign by multiple in silico algorithms, and/or has population frequency not consistent with disease.

Ambry Genetics
Classification: Likely benign for Hereditary cancer-predisposing syndrome. Last evaluated: 2014-12-09. Review status: criteria provided, single submitter. Criteria: Ambry Variant Classification Scheme 2023. Collection method: clinical testing. Allele origin: germline.

Counsyl
Classification: Likely benign for Multiple endocrine neoplasia type 2B. Last evaluated: 2015-12-04. Review status: no assertion criteria provided. Collection method: clinical testing. Allele origin: unknown. Not counted in ClinVar's aggregate classification.

Counsyl
Classification: Likely benign for Multiple endocrine neoplasia type 2A. Last evaluated: 2015-12-04. Review status: no assertion criteria provided. Collection method: clinical testing. Allele origin: unknown. Not counted in ClinVar's aggregate classification.

NM_020975.6(RET):c.225G>A (p.Thr75=)

Gene: RET (ret proto-oncogene; plus strand). Cytogenetic location: 10q11.21.
Variant type: single nucleotide variant.
Coding change: c.225G>A on transcript NM_020975.6 (MANE Select); coding-DNA position 225, G replaced by A.
Protein change: p.Thr75=; no amino-acid change (threonine 75 retained).
Molecular consequence: synonymous variant. On other transcripts: intron variant (4).
Genome position (GRCh38, 1-based): chr10:43,100,610, G>A. VCF-style: chr10-43100610-G-A. GRCh37 (hg19) VCF-style: chr10-43596058-G-A.
Other names: c.225G>A, p.Thr75= (NM_000323.2, NM_001406743.1, NM_001406744.1 and 34 more transcripts); c.74-8421G>A (NM_001406784.1); c.74-11489G>A (NM_001406794.1, NM_001406792.1, NM_001406793.1).
Identifiers: ClinVar variation 184368 (VCV000184368.25), dbSNP rs151267865, ClinGen allele CA008616.